The following is an entry in ClinVar:

ClinVar aggregate classification (germline): Pathogenic (1 of 4 stars; one submission).

Conditions:
Hereditary cancer-predisposing syndrome. Also called: Tumor predisposition; Neoplastic Syndromes, Hereditary; Hereditary Cancer Syndrome; Hereditary neoplastic syndrome. Identifiers: Orphanet 140162, MedGen C0027672, MeSH D009386, MONDO:0015356.

Submission:

Ambry Genetics
Classification: Pathogenic for Hereditary cancer-predisposing syndrome. Last evaluated: 2025-01-09. Review status: criteria provided, single submitter. Criteria: Ambry Variant Classification Scheme 2023. Collection method: clinical testing. Allele origin: germline.
Comment: The c.954_964del11 pathogenic mutation, located in coding exon 4 of the PALB2 gene, results from a deletion of 11 nucleotides at nucleotide positions 954 to 964, causing a translational frameshift with a predicted alternate stop codon (p.S318Rfs*10). This variant is considered to be rare based on population cohorts in the Genome Aggregation Database (gnomAD). This alteration is expected to result in loss of function by premature protein truncation or nonsense-mediated mRNA decay. As such, this alteration is interpreted as a disease-causing mutation.

NM_024675.4(PALB2):c.954_964del (p.Ser318fs)

Gene: PALB2 (partner and localizer of BRCA2; minus strand). Cytogenetic location: 16p12.2.
Variant type: Deletion.
Coding change: c.954_964del on transcript NM_024675.4 (MANE Select); coding-DNA positions 954 to 964, 11 bases deleted (TTCTAATTTAG).
Protein change: p.Ser318fs; shifts the reading frame from serine 318.
Molecular consequence: frameshift variant. On other transcripts: intron variant (3).
Genome position (GRCh38, 1-based): chr16:23,635,582-23,635,592, CTAAATTAGAA deleted on the plus strand (TTCTAATTTAG on the coding strand, the reverse complement: PALB2 is on the minus strand); deleting any 11 consecutive bases within chr16:23,635,582-23,635,594 gives the same sequence; the c. name uses the placement nearest the transcript's 3' end. VCF-style (leftmost placement, unchanged base first): chr16-23635581-TCTAAATTAGAA-T. GRCh37 (hg19) VCF-style: chr16-23646902-TCTAAATTAGAA-T.
Other names: c.894_904del, p.Ser298fs (NM_001407296.1); c.954_964del, p.Ser318fs (NM_001407297.1, NM_001407298.1, NM_001407299.1 and 3 more transcripts); c.69_79del, p.Ser23fs (NM_001407304.1, NM_001407305.1, NM_001407306.1 and 5 more transcripts); c.48+5518_48+5528del (NM_001407314.1); c.-104-5123_-104-5113del (NM_001407313.1, NM_001407312.1); c.954_964del11 (NM_024675.3); short protein forms S298fs, S23fs, S318fs.
Identifiers: ClinVar variation 3885187 (VCV003885187.1).